The following is an entry in ClinVar:

NM_031935.3(HMCN1):c.7978G>A (p.Glu2660Lys)

Gene: HMCN1 (hemicentin 1; plus strand). Cytogenetic location: 1q31.1.
Variant type: single nucleotide variant.
Coding change: c.7978G>A on transcript NM_031935.3 (MANE Select); coding-DNA position 7978, G replaced by A.
Protein change: p.Glu2660Lys; replaces glutamic acid 2660 with lysine.
Molecular consequence: missense variant.
Genome position (GRCh38, 1-based): chr1:186,069,761, G>A. VCF-style: chr1-186069761-G-A. GRCh37 (hg19) VCF-style: chr1-186038893-G-A.
Other names: short protein forms E2660K.
Identifiers: ClinVar variation 1380346 (VCV001380346.6), dbSNP rs985818530, ClinGen allele CA33462184.
Genomic context (GRCh38, chr1:186,069,761, plus strand): 5'-AATGCTGGAAGATACTCTTGTGTAGCCACGAATGAGGCTGGAGAAATGATAAAGCACTAT[G>A]AAGTGAAGGTGTACAGTAAGTTCTGAAAGAATACTATGTTTCATAGCTTCCCCAATTTTT-3'
Protein context (NP_114141.2, residues 2650-2670): NEAGEMIKHY[Glu2660Lys]VKVYIPPIIN

ClinVar aggregate classification (germline): Uncertain significance (1 of 4 stars; one submission).

Allele frequency attached by ClinVar (database versions not stated): gnomAD exomes 0.00001; TOPMed 0.00002.
gnomAD v4.1: 6 of 1,610,508 alleles (0.00037%); highest among the groups gnomAD compares: Admixed American, 0.0067%; no homozygotes.

Submission:

Labcorp Genetics (formerly Invitae), Labcorp
Classification: Uncertain significance. Last evaluated: 2021-11-30. Review status: criteria provided, single submitter. Criteria: Invitae Variant Classification Sherloc (09022015). Collection method: clinical testing. Allele origin: germline.
Comment: Algorithms developed to predict the effect of missense changes on protein structure and function are either unavailable or do not agree on the potential impact of this missense change (SIFT: "Tolerated"; PolyPhen-2: "Probably Damaging"; Align-GVGD: "Class C15"). In summary, the available evidence is currently insufficient to determine the role of this variant in disease. Therefore, it has been classified as a Variant of Uncertain Significance. This variant has not been reported in the literature in individuals affected with HMCN1-related conditions. This variant is present in population databases (no rsID available, gnomAD 0.009%). This sequence change replaces glutamic acid, which is acidic and polar, with lysine, which is basic and polar, at codon 2660 of the HMCN1 protein (p.Glu2660Lys).